The following is an entry in ClinVar:

NM_001378.3(DYNC1I2):c.468dup (p.Thr157fs)

Gene: DYNC1I2 (dynein cytoplasmic 1 intermediate chain 2; plus strand). Cytogenetic location: 2q31.1.
Variant type: Duplication.
Coding change: c.468dup on transcript NM_001378.3 (MANE Select); coding-DNA position 468, one base duplicated (T; older notation c.468dupT).
Protein change: p.Thr157fs; shifts the reading frame from threonine 157.
Molecular consequence: frameshift variant.
Genome position (GRCh38, 1-based): chr2:171,715,400, T duplicated. VCF-style (leftmost placement, unchanged base first): chr2-171715399-A-AT. GRCh37 (hg19) VCF-style: chr2-172571909-A-AT.
Other names: c.468dup, p.Thr157fs (NM_001271785.2); c.444dup, p.Thr149fs (NM_001271786.2, NM_001271787.2); c.390dup, p.Thr131fs (NM_001271788.2, NM_001271789.2, NM_001271790.2 and 1 more transcripts); c.450dup, p.Thr151fs (NM_001320882.2, NM_001320883.2, NM_001378455.1 and 1 more transcripts); short protein forms T131fs, T149fs, T151fs, T157fs.
Identifiers: ClinVar variation 5018538 (VCV005018538.2).

ClinVar aggregate classification (germline): Likely pathogenic (1 of 4 stars; one submission).

Conditions:
Neurodevelopmental disorder with microcephaly and structural brain anomalies. Identifiers: Orphanet 699844, MedGen C5193123, MONDO:0032779, OMIM 618492.

Submission:

Juno Genomics, Hangzhou Juno Genomics, Inc
Classification: Likely pathogenic for Neurodevelopmental disorder with microcephaly and structural brain anomalies. Review status: criteria provided, single submitter. Criteria: ACMG Guidelines, 2015. Collection method: clinical testing. Allele origin: germline.
Comment: Absent from controls (or at extremely low frequency if recessive) in Genome Aggregation Database.;Null variant in a gene where loss of function (LOF) is a known mechanism of disease.